The following is an entry in ClinVar:

ClinVar aggregate classification (germline): Uncertain significance (1 of 4 stars; one submission).

Conditions:
Intellectual developmental disorder, X-linked 1. Also called: Atkin Flaitz Patil Smith syndrome; MENTAL RETARDATION, X-LINKED 18; MENTAL RETARDATION, X-LINKED 78; Intellectual disability, X-linked 1. Identifiers: Orphanet 777, MedGen C2931498, MONDO:0010656, OMIM 309530.

Submission:

Labcorp Genetics (formerly Invitae), Labcorp
Classification: Uncertain significance for Intellectual developmental disorder, X-linked 1. Last evaluated: 2024-09-29. Review status: criteria provided, single submitter. Criteria: Invitae Variant Classification Sherloc (09022015). Collection method: clinical testing. Allele origin: germline.
Comment: This sequence change falls in intron 7 of the IQSEC2 gene. It does not directly change the encoded amino acid sequence of the IQSEC2 protein. It affects a nucleotide within the consensus splice site. This variant is not present in population databases (gnomAD no frequency). This variant has not been reported in the literature in individuals affected with IQSEC2-related conditions. Variants that disrupt the consensus splice site are a relatively common cause of aberrant splicing (PMID: 17576681, 9536098). Algorithms developed to predict the effect of sequence changes on RNA splicing suggest that this variant is not likely to affect RNA splicing. In summary, the available evidence is currently insufficient to determine the role of this variant in disease. Therefore, it has been classified as a Variant of Uncertain Significance.

Literature cited by the submitters: PubMed 17576681; PubMed 9536098.

NM_001111125.3(IQSEC2):c.2583-3C>T

Gene: IQSEC2 (IQ motif and Sec7 domain ArfGEF 2; minus strand). Cytogenetic location: Xp11.22.
Variant type: single nucleotide variant.
Coding change: c.2583-3C>T on transcript NM_001111125.3 (MANE Select); 3 bases into the intron before coding-DNA position 2583, C replaced by T.
Molecular consequence: intron variant.
Genome position (GRCh38, 1-based): chrX:53,247,138, G>A on the plus strand (C>T on the coding strand, the complement: IQSEC2 is on the minus strand). VCF-style: chrX-53247138-G-A. GRCh37 (hg19) VCF-style: chrX-53276320-G-A.
Other names: c.2583-3C>T (NM_001410736.1); c.1968-3C>T (NM_015075.2).
Identifiers: ClinVar variation 3660126 (VCV003660126.2).
Genomic context (GRCh38, chrX:53,247,138, plus strand): 5'-GGTGTCTGGGTTCCGGAACTGGCGCACGAGGGCTGGGTTACAGACACAGTACCGCTGGCT[G>A]CAGGGCAGGAGGGGTCAAAGCCAGACTCAGGAACCAGCCATCTCTGCCTACCCACCATCC-3'